The following is an entry in ClinVar:

NM_001291303.3(FAT4):c.2338A>T (p.Thr780Ser)

Gene: FAT4 (FAT atypical cadherin 4; plus strand). Cytogenetic location: 4q28.1.
Variant type: single nucleotide variant.
Coding change: c.2338A>T on transcript NM_001291303.3 (MANE Select); coding-DNA position 2338, A replaced by T.
Protein change: p.Thr780Ser; replaces threonine 780 with serine.
Molecular consequence: missense variant.
Genome position (GRCh38, 1-based): chr4:125,318,749, A>T. VCF-style: chr4-125318749-A-T. GRCh37 (hg19) VCF-style: chr4-126239904-A-T.
Other names: c.2338A>T, p.Thr780Ser (NM_001291285.3, NM_024582.6); short protein forms T780S.
Identifiers: ClinVar variation 1712536 (VCV001712536.4), dbSNP rs1304087704, ClinGen allele CA358120107.

ClinVar aggregate classification (germline): Uncertain significance. Review status: criteria provided, multiple submitters, no conflicts (2 of 4 stars). 2 submissions from 2 submitters: Uncertain significance (2). Last evaluated 2023-11-07.

gnomAD v4.1: 2 of 1,614,048 alleles (0.00012%); highest among the groups gnomAD compares: South Asian, 0.0022%; no homozygotes.

Submissions (2):

Revvity Omics, Revvity
Classification: Uncertain significance. Last evaluated: 2023-11-07. Review status: criteria provided, single submitter. Criteria: ACMG Guidelines, 2015. Collection method: clinical testing. Allele origin: germline.

GeneDx
Classification: Uncertain significance. Last evaluated: 2022-04-27. Review status: criteria provided, single submitter. Criteria: GeneDx Variant Classification Process June 2021. Collection method: clinical testing. Allele origin: germline. Affected: yes.
Comment: Not observed at significant frequency in large population cohorts (gnomAD); In silico analysis supports that this missense variant does not alter protein structure/function; Has not been previously published as pathogenic or benign to our knowledge